The following is an entry in ClinVar:

NM_003906.5(MCM3AP):c.1486A>G (p.Lys496Glu)

Gene: MCM3AP (minichromosome maintenance complex component 3 associated protein; minus strand). Cytogenetic location: 21q22.3.
Variant type: single nucleotide variant.
Coding change: c.1486A>G on transcript NM_003906.5 (MANE Select); coding-DNA position 1486, A replaced by G.
Protein change: p.Lys496Glu; replaces lysine 496 with glutamic acid.
Molecular consequence: missense variant.
Genome position (GRCh38, 1-based): chr21:46,280,533, T>C on the plus strand (A>G on the coding strand, the complement: MCM3AP is on the minus strand). VCF-style: chr21-46280533-T-C. GRCh37 (hg19) VCF-style: chr21-47700447-T-C.
Other names: short protein forms K496E.
Identifiers: ClinVar variation 1517334 (VCV001517334.5), dbSNP rs2081318850, ClinGen allele CA410530189.

ClinVar aggregate classification (germline): Uncertain significance (1 of 4 stars; one submission).

Allele frequency attached by ClinVar (database versions not stated): gnomAD exomes 0.00001.
gnomAD v4.1: 10 of 1,612,994 alleles (0.00062%); highest among the groups gnomAD compares: South Asian, 0.0077%; no homozygotes.

Submission:

Labcorp Genetics (formerly Invitae), Labcorp
Classification: Uncertain significance. Last evaluated: 2024-10-04. Review status: criteria provided, single submitter. Criteria: Invitae Variant Classification Sherloc (09022015). Collection method: clinical testing. Allele origin: germline.
Comment: This sequence change replaces lysine, which is basic and polar, with glutamic acid, which is acidic and polar, at codon 496 of the MCM3AP protein (p.Lys496Glu). This variant is not present in population databases (gnomAD no frequency). This variant has not been reported in the literature in individuals affected with MCM3AP-related conditions. ClinVar contains an entry for this variant (Variation ID: 1517334). An algorithm developed to predict the effect of missense changes on protein structure and function outputs the following: PolyPhen-2: "Benign". The glutamic acid amino acid residue is found in multiple mammalian species, which suggests that this missense change does not adversely affect protein function. In summary, the available evidence is currently insufficient to determine the role of this variant in disease. Therefore, it has been classified as a Variant of Uncertain Significance.